The following is an entry in ClinVar:

NM_014915.3(ANKRD26):c.301G>A (p.Asp101Asn)

Gene: ANKRD26 (ankyrin repeat domain 26; minus strand). Cytogenetic location: 10p12.1.
Variant type: single nucleotide variant.
Coding change: c.301G>A on transcript NM_014915.3 (MANE Select); coding-DNA position 301, G replaced by A.
Protein change: p.Asp101Asn; replaces aspartic acid 101 with asparagine.
Molecular consequence: missense variant.
Genome position (GRCh38, 1-based): chr10:27,093,741, C>T on the plus strand (G>A on the coding strand, the complement: ANKRD26 is on the minus strand). VCF-style: chr10-27093741-C-T. GRCh37 (hg19) VCF-style: chr10-27382670-C-T.
Other names: c.301G>A, p.Asp101Asn (NM_001256053.2); short protein forms D101N.
Identifiers: ClinVar variation 1336709 (VCV001336709.11), dbSNP rs199753643, ClinGen allele CA5448991.

ClinVar aggregate classification (germline): Conflicting classifications of pathogenicity. Review status: criteria provided, conflicting classifications (1 of 4 stars). 4 submissions from 4 submitters: Uncertain significance (1); Likely benign (2). 1 of the submissions does not count toward it. Last evaluated 2025-08-13.

Conditions:
ANKRD26-related disorder. Also called: ANKRD26-related condition.

Allele frequency attached by ClinVar (database versions not stated): gnomAD 0.00007 and 0.00009; gnomAD exomes 0.00008 and 0.00024; TOPMed 0.00014; 1000 Genomes Project 30x 0.00016; 1000 Genomes Project 0.00020; ExAC 0.00025.
gnomAD v4.1: 131 of 1,614,202 alleles (0.0081%); highest among the groups gnomAD compares: East Asian, 0.29%; 1 homozygote.

Submissions (4):

Labcorp Genetics (formerly Invitae), Labcorp
Classification: Likely benign. Last evaluated: 2025-08-13. Review status: criteria provided, single submitter. Criteria: Invitae Variant Classification Sherloc (09022015). Collection method: clinical testing. Allele origin: germline.

Blueprint Genetics
Classification: Likely benign. Last evaluated: 2024-10-02. Review status: criteria provided, single submitter. Criteria: ACMG Guidelines, 2015. Collection method: clinical testing. Allele origin: germline.

Genetic Services Laboratory, University of Chicago
Classification: Uncertain significance. Last evaluated: 2018-06-05. Review status: criteria provided, single submitter. Criteria: ACMG Guidelines, 2015. Collection method: clinical testing. Allele origin: germline. Affected: no.

PreventionGenetics, part of Exact Sciences
Classification: Likely benign for ANKRD26-related condition. Last evaluated: 2021-11-19. Review status: no assertion criteria provided. Collection method: clinical testing. Allele origin: germline. Not counted in ClinVar's aggregate classification.
Comment: This variant is classified as likely benign based on ACMG/AMP sequence variant interpretation guidelines (Richards et al. 2015 PMID: 25741868, with internal and published modifications).